The following is an entry in ClinVar:

NM_001100913.3(PACS2):c.2664C>T (p.His888=)

Gene: PACS2 (phosphofurin acidic cluster sorting protein 2; plus strand). Cytogenetic location: 14q32.33.
Variant type: single nucleotide variant.
Coding change: c.2664C>T on transcript NM_001100913.3 (MANE Select); coding-DNA position 2664, C replaced by T.
Protein change: p.His888=; no amino-acid change (histidine 888 retained).
Molecular consequence: synonymous variant.
Genome position (GRCh38, 1-based): chr14:105,394,621, C>T. VCF-style: chr14-105394621-C-T. GRCh37 (hg19) VCF-style: chr14-105860958-C-T.
Other names: c.2394C>T, p.His798= (NM_001243127.3); c.2619C>T, p.His873= (NM_015197.4).
Identifiers: ClinVar variation 1608408 (VCV001608408.22), dbSNP rs144999852, ClinGen allele CA266585196.

ClinVar aggregate classification (germline): Likely benign. Review status: criteria provided, multiple submitters, no conflicts (2 of 4 stars). 2 submissions from 2 submitters: Likely benign (2). Last evaluated 2025-08-25.

Allele frequency attached by ClinVar (database versions not stated): gnomAD exomes below 0.00001 and 0.00002; gnomAD 0.00001 and 0.00002; TOPMed 0.00002; ESP Exome Variant Server 0.00008.
gnomAD v4.1: 26 of 1,613,370 alleles (0.0016%); highest among the groups gnomAD compares: Non-Finnish European, 0.0018%; no homozygotes.

Submissions (2):

Labcorp Genetics (formerly Invitae), Labcorp
Classification: Likely benign. Last evaluated: 2025-08-25. Review status: criteria provided, single submitter. Criteria: Invitae Variant Classification Sherloc (09022015). Collection method: clinical testing. Allele origin: germline.

CeGaT Center for Human Genetics Tuebingen
Classification: Likely benign. Last evaluated: 2024-11-01. Review status: criteria provided, single submitter. Criteria: CeGaT Center For Human Genetics Tuebingen Variant Classification Criteria Version 2. Collection method: clinical testing. Allele origin: germline. Affected: yes. Observed: 1 variant allele.
Comment: PACS2: BP4, BP7